The following is an entry in ClinVar:

ClinVar aggregate classification (germline): Likely pathogenic (1 of 4 stars; one submission).

Conditions:
Primary ciliary dyskinesia. Also called: Ciliary dyskinesia. Identifiers: Orphanet 244, MedGen C0008780, MONDO:0016575, HP:0012265.

Allele frequency attached by ClinVar (database versions not stated): gnomAD exomes below 0.00001 and 0.00001; ExAC 0.00001.
gnomAD v4.1: 6 of 1,455,336 alleles (0.00041%); highest among the groups gnomAD compares: Non-Finnish European, 0.00048%; no homozygotes.

Submission:

Labcorp Genetics (formerly Invitae), Labcorp
Classification: Likely pathogenic for Primary ciliary dyskinesia. Last evaluated: 2021-03-22. Review status: criteria provided, single submitter. Criteria: Invitae Variant Classification Sherloc (09022015). Collection method: clinical testing. Allele origin: germline.
Comment: This sequence change affects a donor splice site in intron 25 of the DNAH8 gene. It is expected to disrupt RNA splicing and likely results in an absent or disrupted protein product. This variant is present in population databases (rs756616538, ExAC no frequency). This variant has not been reported in the literature in individuals with DNAH8-related disease. Donor and acceptor splice site variants typically lead to a loss of protein function (PMID: 16199547), and loss-of-function variants in DNAH8 are known to be pathogenic (PMID: 24307375). In summary, the currently available evidence indicates that the variant is pathogenic, but additional data are needed to prove that conclusively. Therefore, this variant has been classified as Likely Pathogenic.

Literature cited by the submitters: PubMed 16199547; PubMed 24307375.

NM_001206927.2(DNAH8):c.3333+1G>A

Gene: DNAH8 (dynein axonemal heavy chain 8; plus strand). Cytogenetic location: 6p21.2.
Variant type: single nucleotide variant.
Coding change: c.3333+1G>A on transcript NM_001206927.2 (MANE Select); the canonical splice donor site of the intron after coding-DNA position 3333, G replaced by A.
Molecular consequence: splice donor variant.
Genome position (GRCh38, 1-based): chr6:38,814,130, G>A. VCF-style: chr6-38814130-G-A. GRCh37 (hg19) VCF-style: chr6-38781906-G-A.
Other names: c.2682+1G>A (NM_001371.4).
Identifiers: ClinVar variation 577299 (VCV000577299.9), dbSNP rs756616538, ClinGen allele CA3788802.